The following is an entry in ClinVar:

NM_003001.5(SDHC):c.372C>A (p.Leu124=)

Gene: SDHC (succinate dehydrogenase complex subunit C; plus strand). Cytogenetic location: 1q23.3.
Variant type: single nucleotide variant.
Coding change: c.372C>A on transcript NM_003001.5 (MANE Select); coding-DNA position 372, C replaced by A.
Protein change: p.Leu124=; no amino-acid change (leucine 124 retained).
Molecular consequence: synonymous variant. On other transcripts: non-coding transcript variant (1), intron variant (3).
Genome position (GRCh38, 1-based): chr1:161,356,807, C>A. VCF-style: chr1-161356807-C-A. GRCh37 (hg19) VCF-style: chr1-161326597-C-A.
Other names: c.270C>A, p.Leu90= (NM_001035512.3); c.213C>A, p.Leu71= (NM_001035513.3); c.492C>A, p.Leu164= (NM_001407115.1); c.315C>A, p.Leu105= (NM_001407116.1); c.309C>A, p.Leu103= (NM_001407117.1); c.264C>A, p.Leu88= (NM_001407118.1); c.261C>A, p.Leu87= (NM_001407119.1, NM_001407120.1); c.242-5522C>A (NM_001035511.3); and 2 more.
Identifiers: ClinVar variation 759020 (VCV000759020.18), dbSNP rs766007157, ClinGen allele CA421501098.

ClinVar aggregate classification (germline): Conflicting classifications of pathogenicity. Review status: criteria provided, conflicting classifications (1 of 4 stars). 5 submissions from 5 submitters: Uncertain significance (1); Benign (1); Likely benign (3). Last evaluated 2025-03-17.

Conditions:
Hereditary cancer-predisposing syndrome. Also called: Neoplastic Syndromes, Hereditary; Hereditary Cancer Syndrome; Hereditary neoplastic syndrome; Tumor predisposition. Identifiers: Orphanet 140162, MedGen C0027672, MeSH D009386, MONDO:0015356.
Gastrointestinal stromal tumor. Also called: Gastrointestinal stromal tumor, somatic; Gastrointestinal stroma tumor. Identifiers: Orphanet 44890, MedGen C0238198, MeSH D046152, MONDO:0011719, OMIM 606764, HP:0100723.
Pheochromocytoma/paraganglioma syndrome 3. Also called: SDHC-Related Hereditary Paraganglioma-Pheochromocytoma Syndrome (Paragangliomas 3); SDHC-Related Hereditary Paraganglioma-Pheochromocytoma Syndrome; GLOMUS TUMORS, FAMILIAL, 3; Paragangliomas 3. Identifiers: Orphanet 29072, MedGen C1854336, MONDO:0011544, OMIM 605373.
Hereditary pheochromocytoma and paraganglioma. Also called: Hereditary pheochromocytoma-paraganglioma; Hereditary Paraganglioma-Pheochromocytoma Syndromes; Hereditary paragangliomas and pheochromocytomas. Identifiers: Orphanet 29072, MedGen C4274332, MONDO:0017366.

Submissions (5):

Myriad Genetics, Inc.
Classification: Benign for Pheochromocytoma/paraganglioma syndrome 3. Last evaluated: 2025-03-17. Review status: criteria provided, single submitter. Criteria: Myriad Autosomal Dominant, Autosomal Recessive and X-Linked Classification Criteria (2023). Collection method: clinical testing. Allele origin: unknown.
Comment: This variant is considered benign. This variant is a silent/synonymous amino acid change and it is not expected to impact splicing.

Labcorp Genetics (formerly Invitae), Labcorp
Classification: Likely benign for Pheochromocytoma/paraganglioma syndrome 3; Gastrointestinal stromal tumor. Last evaluated: 2024-08-29. Review status: criteria provided, single submitter. Criteria: Invitae Variant Classification Sherloc (09022015). Collection method: clinical testing. Allele origin: germline.

GeneDx
Classification: Uncertain significance. Last evaluated: 2023-04-17. Review status: criteria provided, single submitter. Criteria: GeneDx Variant Classification Process June 2021. Collection method: clinical testing. Allele origin: germline. Affected: yes.
Comment: Not observed at significant frequency in large population cohorts (gnomAD); In silico analysis supports that this variant does not alter splicing; Has not been previously published as pathogenic or benign to our knowledge

All of Us Research Program, National Institutes of Health
Classification: Likely benign for Hereditary pheochromocytoma and paraganglioma. Last evaluated: 2023-02-15. Review status: criteria provided, single submitter. Criteria: ACMG Guidelines, 2015. Collection method: clinical testing. Allele origin: germline. Inheritance: Autosomal dominant inheritance. Observed: 1 variant allele, 1 heterozygote.
Comment: This study involves interpretation of variants in research participants for the purpose of population health screening. Participant phenotype was not available at the time of variant classification. Additional details can be found in publication PMID: 35346344, PMCID: PMC8962531

Ambry Genetics
Classification: Likely benign for Hereditary cancer-predisposing syndrome. Last evaluated: 2019-08-08. Review status: criteria provided, single submitter. Criteria: Ambry Variant Classification Scheme 2023. Collection method: clinical testing. Allele origin: germline.